The following is an entry in ClinVar:

ClinVar aggregate classification (germline): Uncertain significance (1 of 4 stars; one submission).

Conditions:
KCNT2-related disorder. Also called: KCNT2-related condition. Identifiers: MedGen CN236796.

Submission:

PreventionGenetics, part of Exact Sciences
Classification: Uncertain significance for KCNT2-related condition. Last evaluated: 2024-10-27. Review status: criteria provided, single submitter. Criteria: ACMG Guidelines, 2015. Collection method: clinical testing. Allele origin: germline.
Comment: The KCNT2 c.1300G>T variant is predicted to result in the amino acid substitution p.Val434Phe. To our knowledge, this variant has not been reported in the literature or in a large population database (gnomAD), indicating this variant is rare. At this time, the clinical significance of this variant is uncertain due to the absence of conclusive functional and genetic evidence.

NM_198503.5(KCNT2):c.1300G>T (p.Val434Phe)

Gene: KCNT2 (potassium sodium-activated channel subfamily T member 2; minus strand). Cytogenetic location: 1q31.3.
Variant type: single nucleotide variant.
Coding change: c.1300G>T on transcript NM_198503.5 (MANE Select); coding-DNA position 1300, G replaced by T.
Protein change: p.Val434Phe; replaces valine 434 with phenylalanine.
Molecular consequence: missense variant. On other transcripts: non-coding transcript variant (1).
Genome position (GRCh38, 1-based): chr1:196,373,243, C>A on the plus strand (G>T on the coding strand, the complement: KCNT2 is on the minus strand). VCF-style: chr1-196373243-C-A. GRCh37 (hg19) VCF-style: chr1-196342373-C-A.
Other names: c.1300G>T, p.Val434Phe (NM_001287819.3, NM_001287820.3); short protein forms V434F.
Identifiers: ClinVar variation 4977289 (VCV004977289.1).